The following is an entry in ClinVar:

ClinVar aggregate classification (germline): Uncertain significance (1 of 4 stars; one submission).

Conditions:
Mucolipidosis type II. Also called: ML II ALPHA/BETA; Mucolipidosis 2; ML 2; Inclusion cell disease; Leroy Disease; N-acetylglucosamine 1phosphotransferase deficiency. Identifiers: Orphanet 576, MedGen C2673377, MONDO:0009650, OMIM 252500.

Submission:

Neuberg Centre For Genomic Medicine, NCGM
Classification: Uncertain significance for Mucolipidosis type II. Last evaluated: 2023-05-20. Review status: criteria provided, single submitter. Criteria: ACMG Guidelines, 2015. Collection method: clinical testing. Allele origin: germline. Inheritance: Autosomal recessive inheritance. Affected: yes.
Comment: The observed missense variant c.3161T>C (p.Leu1054Pro) in the GNPTAB gene has not been reported previously as a pathogenic variant nor as a benign variant, to our knowledge. This variant is absent in the gnomAD Exomes. The amino acid Leucine at position 1054 is changed to a Proline changing protein sequence and it might alter its composition and physico-chemical properties. Multiple lines of computational evidence (Polyphen - Probably damaging, SIFT - Damaging and MutationTaster - Disease causing) predict a damaging effect on protein structure and function for this variant. The residue is conserved by GERP++ and PhyloP across 100 vertebrates. For these reasons, this variant has been classified as Uncertain Significance.

NM_024312.5(GNPTAB):c.3161T>C (p.Leu1054Pro)

Gene: GNPTAB (N-acetylglucosamine-1-phosphate transferase subunits alpha and beta; minus strand). Cytogenetic location: 12q23.2.
Variant type: single nucleotide variant.
Coding change: c.3161T>C on transcript NM_024312.5 (MANE Select); coding-DNA position 3161, T replaced by C.
Protein change: p.Leu1054Pro; replaces leucine 1054 with proline.
Molecular consequence: missense variant.
Genome position (GRCh38, 1-based): chr12:101,760,118, A>G on the plus strand (T>C on the coding strand, the complement: GNPTAB is on the minus strand). VCF-style: chr12-101760118-A-G. GRCh37 (hg19) VCF-style: chr12-102153896-A-G.
Other names: short protein forms L1054P.
Identifiers: ClinVar variation 3341443 (VCV003341443.1).